The following is an entry in ClinVar:

NM_001330078.2(NRXN1):c.1221G>A (p.Met407Ile)

Gene: NRXN1 (neurexin 1; minus strand). Cytogenetic location: 2p16.3.
Variant type: single nucleotide variant.
Coding change: c.1221G>A on transcript NM_001330078.2 (MANE Select); coding-DNA position 1221, G replaced by A.
Protein change: p.Met407Ile; replaces methionine 407 with isoleucine.
Molecular consequence: missense variant.
Genome position (GRCh38, 1-based): chr2:50,620,121, C>T on the plus strand (G>A on the coding strand, the complement: NRXN1 is on the minus strand). VCF-style: chr2-50620121-C-T. GRCh37 (hg19) VCF-style: chr2-50847259-C-T.
Other names: c.1341G>A, p.Met447Ile (NM_001135659.3); c.1197G>A, p.Met399Ile (NM_001330077.2, NM_001330082.2, NM_001330095.2); c.1182G>A, p.Met394Ile (NM_001330083.2, NM_001330084.2); c.1221G>A, p.Met407Ile (NM_001330085.2, NM_001330086.2, NM_004801.6); c.1137G>A, p.Met379Ile (NM_001330087.2, NM_001330096.2); c.1167G>A, p.Met389Ile (NM_001330088.2); c.1218G>A, p.Met406Ile (NM_001330093.2); c.1209G>A, p.Met403Ile (NM_001330094.2); short protein forms M406I, M379I, M399I, M389I, M394I, M403I, M407I, M447I.
Identifiers: ClinVar variation 643304 (VCV000643304.8), dbSNP rs373954439, ClinGen allele CA47954328.

ClinVar aggregate classification (germline): Uncertain significance (1 of 4 stars; one submission).

Conditions:
Pitt-Hopkins-like syndrome 2 (PTHSL2). Identifiers: Orphanet 221150, Orphanet 600663, MedGen C3280479, MONDO:0013690, OMIM 614325.

Allele frequency attached by ClinVar (database versions not stated): TOPMed below 0.00001; gnomAD 0.00001; ESP Exome Variant Server 0.00008.
gnomAD v4.1: 2 of 1,613,388 alleles (0.00012%); highest among the groups gnomAD compares: Non-Finnish European, 0.00017%; no homozygotes.

Submission:

Labcorp Genetics (formerly Invitae), Labcorp
Classification: Uncertain significance for Pitt-Hopkins-like syndrome 2. Last evaluated: 2018-12-19. Review status: criteria provided, single submitter. Criteria: Invitae Variant Classification Sherloc (09022015). Collection method: clinical testing. Allele origin: germline.
Comment: In summary, the available evidence is currently insufficient to determine the role of this variant in disease. Therefore, it has been classified as a Variant of Uncertain Significance. Algorithms developed to predict the effect of missense changes on protein structure and function are either unavailable or do not agree on the potential impact of this missense change (SIFT: "Tolerated"; PolyPhen-2: "Probably Damaging"; Align-GVGD: "Class C0"). This variant has not been reported in the literature in individuals with NRXN1-related conditions. This variant is not present in population databases (ExAC no frequency). This sequence change replaces methionine with isoleucine at codon 447 of the NRXN1 protein (p.Met447Ile). The methionine residue is highly conserved and there is a small physicochemical difference between methionine and isoleucine.